The following is an entry in ClinVar:

NM_001083962.2(TCF4):c.1887T>C (p.Asn629=)

Gene: TCF4 (transcription factor 4; minus strand). Cytogenetic location: 18q21.2.
Variant type: single nucleotide variant.
Coding change: c.1887T>C on transcript NM_001083962.2 (MANE Select); coding-DNA position 1887, T replaced by C.
Protein change: p.Asn629=; no amino-acid change (asparagine 629 retained).
Molecular consequence: synonymous variant.
Genome position (GRCh38, 1-based): chr18:55,228,354, A>G on the plus strand (T>C on the coding strand, the complement: TCF4 is on the minus strand). VCF-style: chr18-55228354-A-G. GRCh37 (hg19) VCF-style: chr18-52895585-A-G.
Other names: c.2193T>C, p.Asn731= (NM_001243226.3); c.1815T>C, p.Asn605= (NM_001243227.2, NM_001348217.1, NM_001348218.2 and 1 more transcripts); c.1905T>C, p.Asn635= (NM_001243228.2); c.1866T>C, p.Asn622= (NM_001243230.2); c.1749T>C, p.Asn583= (NM_001243231.2); c.1674T>C, p.Asn558= (NM_001243232.1); c.1485T>C, p.Asn495= (NM_001243233.2, NM_001348212.2); c.1407T>C, p.Asn469= (NM_001243234.2, NM_001348216.2); and 14 more.
Identifiers: ClinVar variation 512170 (VCV000512170.9), dbSNP rs1188688924, ClinGen allele CA504001892.

ClinVar aggregate classification (germline): Likely benign. Review status: criteria provided, multiple submitters, no conflicts (2 of 4 stars). 2 submissions from 2 submitters: Likely benign (2). Last evaluated 2025-07-07.

Conditions:
Pitt-Hopkins syndrome (PTHS). Also called: ENCEPHALOPATHY, SEVERE EPILEPTIC, WITH AUTONOMIC DYSFUNCTION; MENTAL RETARDATION, SYNDROMAL, WITH INTERMITTENT HYPERVENTILATION. Identifiers: Orphanet 2896, MedGen C1970431, MONDO:0012589, OMIM 610954.

Allele frequency attached by ClinVar (database versions not stated): gnomAD exomes below 0.00001; TOPMed 0.00001.
gnomAD v4.1: 2 of 1,614,012 alleles (0.00012%); highest among the groups gnomAD compares: Admixed American, 0.0017%; no homozygotes.

Submissions (2):

Labcorp Genetics (formerly Invitae), Labcorp
Classification: Likely benign for Pitt-Hopkins syndrome. Last evaluated: 2025-07-07. Review status: criteria provided, single submitter. Criteria: Invitae Variant Classification Sherloc (09022015). Collection method: clinical testing. Allele origin: germline.

GeneDx
Classification: Likely benign. Last evaluated: 2017-09-21. Review status: criteria provided, single submitter. Criteria: GeneDx Variant Classification (06012015). Collection method: clinical testing. Allele origin: germline. Affected: yes.
Comment: This variant is considered likely benign or benign based on one or more of the following criteria: it is a conservative change, it occurs at a poorly conserved position in the protein, it is predicted to be benign by multiple in silico algorithms, and/or has population frequency not consistent with disease.